The following is an entry in ClinVar:

NM_004260.4(RECQL4):c.587G>T (p.Ser196Ile)

Gene: RECQL4 (RecQ like helicase 4; minus strand). Cytogenetic location: 8q24.3.
Variant type: single nucleotide variant.
Coding change: c.587G>T on transcript NM_004260.4 (MANE Select); coding-DNA position 587, G replaced by T.
Protein change: p.Ser196Ile; replaces serine 196 with isoleucine.
Molecular consequence: missense variant. On other transcripts: 5 prime UTR variant (15), non-coding transcript variant (3), intron variant (3).
Genome position (GRCh38, 1-based): chr8:144,516,532, C>A on the plus strand (G>T on the coding strand, the complement: RECQL4 is on the minus strand). VCF-style: chr8-144516532-C-A. GRCh37 (hg19) VCF-style: chr8-145741916-C-A.
Other names: c.587G>T, p.Ser196Ile (NM_001413017.1, NM_001413018.1, NM_001413019.1 and 4 more transcripts); c.-485G>T (NM_001413022.1, NM_001413023.1, NM_001413024.1 and 5 more transcripts); c.458G>T, p.Ser153Ile (NM_001413025.1); c.-547G>T (NM_001413027.1, NM_001413030.1, NM_001413031.1 and 2 more transcripts); c.-389G>T (NM_001413034.1); c.-754G>T (NM_001413043.1); c.355-119G>T (NM_001413029.1); c.-366-119G>T (NM_001413021.1, NM_001413028.1); short protein forms S153I, S196I.
Identifiers: ClinVar variation 3787954 (VCV003787954.1).
Genomic context (GRCh38, chr8:144,516,532, plus strand): 5'-TCCTCTGAGCCTAGATCAGGCCTGCAGGCTTTGGGGGCCCCCAGAAAATCTGGGACCTCA[C>A]TGTGACATCGCTGTAACCAGCCAGGATCTAGGGAGCCCAGCCGCTGGCTCAGGGATGCCT-3'
Protein context (NP_004251.4, residues 186-206): LDPGWLQRCH[Ser196Ile]EVPDFLGAPK

ClinVar aggregate classification (germline): Uncertain significance (1 of 4 stars; one submission).

Conditions:
Inborn genetic diseases. Identifiers: MedGen C0950123, MeSH D030342.

Submission:

Ambry Genetics
Classification: Uncertain significance for Inborn genetic diseases. Last evaluated: 2024-12-21. Review status: criteria provided, single submitter. Criteria: Ambry Variant Classification Scheme 2023. Collection method: clinical testing. Allele origin: germline.
Comment: The p.S196I variant (also known as c.587G>T), located in coding exon 5 of the RECQL4 gene, results from a G to T substitution at nucleotide position 587. The serine at codon 196 is replaced by isoleucine, an amino acid with dissimilar properties. This amino acid position is conserved. In addition, this alteration is predicted to be tolerated by in silico analysis. Based on the available evidence, the clinical significance of this variant remains unclear.